The following is an entry in ClinVar:

ClinVar aggregate classification (germline): Uncertain significance (1 of 4 stars; one submission).

Conditions:
Bardet-Biedl syndrome (BBS). Identifiers: Orphanet 110, MedGen C0752166, MONDO:0015229.

Submission:

Labcorp Genetics (formerly Invitae), Labcorp
Classification: Uncertain significance for Bardet-Biedl syndrome. Last evaluated: 2023-12-07. Review status: criteria provided, single submitter. Criteria: Invitae Variant Classification Sherloc (09022015). Collection method: clinical testing. Allele origin: germline.
Comment: A copy number gain of the genomic region encompassing the full coding sequence of the TTC8 gene has been identified. The boundaries of this event are unknown as they extend beyond the assayed region for this gene and therefore may encompass additional genes. As the precise location of this event is unknown, it may be in tandem or it may be located elsewhere in the genome. This variant has not been reported in the literature in individuals affected with TTC8-related conditions. In summary, the available evidence is currently insufficient to determine the role of this variant in disease. Therefore, it has been classified as a Variant of Uncertain Significance.

NC_000014.8:g.(?_89291052)_(89343754_?)dup

Gene: TTC8 (tetratricopeptide repeat domain 8; plus strand). Cytogenetic location: 14q31.3.
Variant type: Duplication.
Identifiers: ClinVar variation 1377125 (VCV001377125.5).